The following is an entry in ClinVar:

NM_001007237.3(IGSF3):c.1494C>T (p.Ile498=)

Gene: IGSF3 (immunoglobulin superfamily member 3; minus strand). Cytogenetic location: 1p13.1.
Variant type: single nucleotide variant.
Coding change: c.1494C>T on transcript NM_001007237.3 (MANE Select); coding-DNA position 1494, C replaced by T.
Protein change: p.Ile498=; no amino-acid change (isoleucine 498 retained).
Molecular consequence: synonymous variant.
Genome position (GRCh38, 1-based): chr1:116,603,754, G>A on the plus strand (C>T on the coding strand, the complement: IGSF3 is on the minus strand). VCF-style: chr1-116603754-G-A. GRCh37 (hg19) VCF-style: chr1-117146376-G-A.
Other names: c.1554C>T, p.Ile518= (NM_001542.4).
Identifiers: ClinVar variation 2639023 (VCV002639023.24), dbSNP rs61730488, ClinGen allele CA1026503.

ClinVar aggregate classification (germline): Likely benign (1 of 4 stars; one submission).

Allele frequency attached by ClinVar (database versions not stated): 1000 Genomes Project 30x 0.00047; 1000 Genomes Project 0.00060; ExAC 0.00093; gnomAD 0.00094; TOPMed 0.00114; gnomAD exomes 0.00118; ESP Exome Variant Server 0.00161.
gnomAD v4.1: 1,872 of 1,613,994 alleles (0.12%); highest among the groups gnomAD compares: Admixed American, 0.15%; 1 homozygote.

Submission:

CeGaT Center for Human Genetics Tuebingen
Classification: Likely benign. Last evaluated: 2023-03-01. Review status: criteria provided, single submitter. Criteria: CeGaT Center For Human Genetics Tuebingen Variant Classification Criteria Version 2. Collection method: clinical testing. Allele origin: germline. Affected: yes. Observed: 1 variant allele.
Comment: IGSF3: BP4